The following is an entry in ClinVar:

ClinVar aggregate classification (germline): Conflicting classifications of pathogenicity. Review status: criteria provided, conflicting classifications (1 of 4 stars). 5 submissions from 5 submitters: Uncertain significance (3); Likely benign (2). Last evaluated 2025-09-23.

Conditions:
Cardiovascular phenotype. Identifiers: MedGen CN230736.
Arrhythmogenic right ventricular cardiomyopathy (ARVD). Also called: Arrhythmogenic cardiomyopathy; Arrhythmogenic Right Ventricular Cardiomyopathy (ARVC); Cardiomyopathy, ARVC; Arrhythmogenic right ventricular dysplasia. Identifiers: Orphanet 247, MedGen C0349788, MeSH D019571, MONDO:0016587. Disease mechanism: loss of function. Inheritance: Various modes of inheritance.
Cardiomyopathy (CMYO). Also called: Cardiomyopathies. Identifiers: Orphanet 167848, MedGen C0878544, MONDO:0004994, HP:0001638. Inheritance: Various modes of inheritance.
Arrhythmogenic right ventricular dysplasia 9 (ARVD9). Also called: Arrhythmogenic Right Ventricular Dysplasia/Cardiomyopathy 9; ARRHYTHMOGENIC RIGHT VENTRICULAR DYSPLASIA, FAMILIAL, 9. Identifiers: MedGen C1836906, MONDO:0012180, OMIM 609040.

Allele frequency attached by ClinVar (database versions not stated): gnomAD 0.00001; gnomAD exomes 0.00002; ExAC 0.00003; 1000 Genomes Project 30x 0.00016; 1000 Genomes Project 0.00020.
gnomAD v4.1: 32 of 1,614,214 alleles (0.002%); highest among the groups gnomAD compares: South Asian, 0.016%; no homozygotes.

Submissions (5):

Labcorp Genetics (formerly Invitae), Labcorp
Classification: Uncertain significance for Arrhythmogenic right ventricular dysplasia 9. Last evaluated: 2025-09-23. Review status: criteria provided, single submitter. Criteria: Invitae Variant Classification Sherloc (09022015). Collection method: clinical testing. Allele origin: germline.
Comment: This sequence change replaces valine, which is neutral and non-polar, with isoleucine, which is neutral and non-polar, at codon 230 of the PKP2 protein (p.Val230Ile). This variant is present in population databases (rs543281875, gnomAD 0.02%). This variant has not been reported in the literature in individuals affected with PKP2-related conditions. ClinVar contains an entry for this variant (Variation ID: 581369). An algorithm developed to predict the effect of missense changes on protein structure and function (PolyPhen-2) suggests that this variant is likely to be tolerated. In summary, the available evidence is currently insufficient to determine the role of this variant in disease. Therefore, it has been classified as a Variant of Uncertain Significance.

Color Diagnostics, LLC DBA Color Health
Classification: Likely benign for Cardiomyopathy. Last evaluated: 2025-08-14. Review status: criteria provided, single submitter. Criteria: ACMG Guidelines, 2015. Collection method: clinical testing. Allele origin: germline.

Ambry Genetics
Classification: Likely benign for Cardiovascular phenotype. Last evaluated: 2025-04-02. Review status: criteria provided, single submitter. Criteria: Ambry Variant Classification Scheme 2023. Collection method: clinical testing. Allele origin: germline.

All of Us Research Program, National Institutes of Health
Classification: Uncertain significance for Arrhythmogenic right ventricular cardiomyopathy. Last evaluated: 2024-05-14. Review status: criteria provided, single submitter. Criteria: ACMG Guidelines, 2015. Collection method: clinical testing. Allele origin: germline. Inheritance: Autosomal dominant inheritance. Observed: 4 variant alleles, 4 heterozygotes.
Comment: This missense variant replaces valine with isoleucine at codon 230 of the PKP2 protein. Computational prediction suggests that this variant may not impact protein structure and function (internally defined REVEL score threshold <= 0.5, PMID: 27666373). To our knowledge, functional studies have not been reported for this variant. This variant has not been reported in individuals affected with cardiovascular disorders in the literature. This variant has been identified in 6/251404 chromosomes in the general population by the Genome Aggregation Database (gnomAD). The available evidence is insufficient to determine the role of this variant in disease conclusively. Therefore, this variant is classified as a Variant of Uncertain Significance.

This study involves interpretation of variants in research participants for the purpose of population health screening. Participant phenotype was not available at the time of variant classification. Additional details can be found in publication PMID: 35346344, PMCID: PMC8962531

Fulgent Genetics
Classification: Uncertain significance for Arrhythmogenic right ventricular dysplasia 9. Last evaluated: 2021-08-12. Review status: criteria provided, single submitter. Criteria: ACMG Guidelines, 2015. Collection method: clinical testing. Allele origin: unknown.

NM_001005242.3(PKP2):c.688G>A (p.Val230Ile)

Gene: PKP2 (plakophilin 2; minus strand). Cytogenetic location: 12p11.21.
Variant type: single nucleotide variant.
Coding change: c.688G>A on transcript NM_001005242.3 (MANE Select); coding-DNA position 688, G replaced by A.
Protein change: p.Val230Ile; replaces valine 230 with isoleucine.
Molecular consequence: missense variant.
Genome position (GRCh38, 1-based): chr12:32,878,192, C>T on the plus strand (G>A on the coding strand, the complement: PKP2 is on the minus strand). VCF-style: chr12-32878192-C-T. GRCh37 (hg19) VCF-style: chr12-33031126-C-T.
Other names: c.688G>A, p.Val230Ile (NM_004572.4); short protein forms V230I.
Identifiers: ClinVar variation 581369 (VCV000581369.15), dbSNP rs543281875, ClinGen allele CA038350.